The following is an entry in ClinVar:

ClinVar aggregate classification (germline): Benign (1 of 4 stars; one submission).

Submission:

GeneDx
Classification: Benign. Last evaluated: 2018-06-16. Review status: criteria provided, single submitter. Criteria: GeneDx Variant Classification (06012015). Collection method: clinical testing. Allele origin: germline. Affected: yes.
Comment: This variant is considered likely benign or benign based on one or more of the following criteria: it is a conservative change, it occurs at a poorly conserved position in the protein, it is predicted to be benign by multiple in silico algorithms, and/or has population frequency not consistent with disease.

NM_006265.3(RAD21):c.689-232del

Gene: RAD21 (RAD21 cohesin complex component; minus strand). Cytogenetic location: 8q24.11.
Variant type: Deletion.
Coding change: c.689-232del on transcript NM_006265.3 (MANE Select); 232 bases into the intron before coding-DNA position 689, one base deleted (A; older notation c.689-232delA).
Molecular consequence: intron variant.
Genome position (GRCh38, 1-based): chr8:116,857,003, T deleted on the plus strand (A on the coding strand, the reverse complement: RAD21 is on the minus strand); the first of 4 consecutive T bases (chr8:116,857,003-116,857,006); deleting any one gives the same sequence. VCF-style (leftmost placement, unchanged base first): chr8-116857002-AT-A. GRCh37 (hg19) VCF-style: chr8-117869241-AT-A.
Identifiers: ClinVar variation 669105 (VCV000669105.1), dbSNP rs34370505, ClinGen allele CA184271469.